The following is an entry in ClinVar:

ClinVar aggregate classification (germline): Benign. Review status: criteria provided, multiple submitters, no conflicts (2 of 4 stars). 2 submissions from 2 submitters: Benign (2). Last evaluated 2018-01-12.

Conditions:
Primary hyperoxaluria type 3. Also called: PH III. Identifiers: Orphanet 416, Orphanet 93600, MedGen C3150878, MONDO:0013327, OMIM 613616. Disease mechanism: loss of function.

Allele frequency attached by ClinVar (database versions not stated): gnomAD exomes 0.23684; 1000 Genomes Project 0.38119; 1000 Genomes Project 30x 0.38554; TOPMed 0.40842.
gnomAD v4.1: 60,493 of 153,032 alleles (40%); highest among the groups gnomAD compares: African/African-American, 58%; 13,007 homozygotes.

Submissions (2):

Illumina Laboratory Services, Illumina
Classification: Benign for Primary hyperoxaluria type 3. Last evaluated: 2018-01-12. Review status: criteria provided, single submitter. Criteria: ICSL Variant Classification Criteria 13 December 2019. Collection method: clinical testing. Allele origin: germline.
Comment: This variant was observed in the ICSL laboratory as part of a predisposition screen in an ostensibly healthy population. It had not been previously curated by ICSL or reported in the Human Gene Mutation Database (HGMD: prior to June 1st, 2018), and was therefore a candidate for classification through an automated scoring system. Utilizing variant allele frequency, disease prevalence and penetrance estimates, and inheritance mode, an automated score was calculated to assess if this variant is too frequent to cause the disease. Based on the score and internal cut-off values, a variant classified as benign is not then subjected to further curation. The score for this variant resulted in a classification of benign for this disease.

Breakthrough Genomics
Classification: Benign. Review status: criteria provided, single submitter. Criteria: ACMG Guidelines, 2015. Collection method: not provided. Allele origin: germline. Inheritance: Autosomal recessive inheritance. Affected: yes.

NM_138413.4(HOGA1):c.*560T>C

Gene: HOGA1 (4-hydroxy-2-oxoglutarate aldolase 1; plus strand). Cytogenetic location: 10q24.2.
Variant type: single nucleotide variant.
Coding change: c.*560T>C on transcript NM_138413.4 (MANE Select); 560 bases downstream of the stop codon, T replaced by C.
Molecular consequence: 3 prime UTR variant.
Genome position (GRCh38, 1-based): chr10:97,612,219, T>C. VCF-style: chr10-97612219-T-C. GRCh37 (hg19) VCF-style: chr10-99371976-T-C.
Other names: c.*560T>C (NM_001134670.2).
Identifiers: ClinVar variation 301819 (VCV000301819.6), dbSNP rs1977641, ClinGen allele CA10632988.
Genomic context (GRCh38, chr10:97,612,219, plus strand): 5'-CCAGCTAATTTTTGTATTTTTAGCAGAGATGGGGTTTCACCGTGTTGGCCAGGCTGGTCT[T>C]GAACTCCTGACCTCAGGTGATCCAACTGCCTCGGCCTCCCAAAGTGCTGGGATTACAGCT-3'